The following is an entry in ClinVar:

NM_031407.7(HUWE1):c.3896GAG[1] (p.Gly1300del)

Genes: HUWE1 (HECT, UBA and WWE domain containing E3 ubiquitin protein ligase 1; minus strand), LOC126863263 (BRD4-independent group 4 enhancer GRCh37_chrX:53619238-53620437; plus strand). Cytogenetic location: Xp11.22.
Variant type: Microsatellite.
Coding change: c.3896GAG[1] on transcript NM_031407.7 (MANE Select); one copy of the 3-base unit GAG starting at c.3896; the reference has two copies in a row; one copy, 3 bases deleted.
Protein change: p.Gly1300del; deletes glycine 1300.
Molecular consequence: inframe deletion.
Genome position (GRCh38, 1-based): chrX:53,592,469-53,592,471, CTC deleted on the plus strand (GAG on the coding strand, the reverse complement: HUWE1 is on the minus strand); deleting any 3 consecutive bases within chrX:53,592,469-53,592,474 gives the same sequence; the position shown is the placement nearest the transcript's 3' end. VCF-style (leftmost placement, unchanged base first): chrX-53592468-TCTC-T. GRCh37 (hg19) VCF-style: chrX-53619428-TCTC-T.
Other names: short protein forms G1300del.
Identifiers: ClinVar variation 2627460 (VCV002627460.5), dbSNP rs782192355, ClinGen allele CA10422496.

ClinVar aggregate classification (germline): Uncertain significance. Review status: criteria provided, multiple submitters, no conflicts (2 of 4 stars). 3 submissions from 3 submitters: Uncertain significance (3). Last evaluated 2023-03-23.

Conditions:
Intellectual developmental disorder, X-linked, syndromic, Turner type. Also called: Intellectual disability, X-linked syndromic, Turner type; X-linked intellectual disability, Turner type. Identifiers: Orphanet 3056, Orphanet 85328, MedGen C2678046, MONDO:0010407, OMIM 309590.

Submissions (3):

Labcorp Genetics (formerly Invitae), Labcorp
Classification: Uncertain significance. Last evaluated: 2023-03-23. Review status: criteria provided, single submitter. Criteria: Invitae Variant Classification Sherloc (09022015). Collection method: clinical testing. Allele origin: germline.
Comment: This variant, c.3899_3901del, results in the deletion of 1 amino acid(s) of the HUWE1 protein (p.Gly1300del), but otherwise preserves the integrity of the reading frame. This variant is present in population databases (rs782192355, gnomAD 0.005%), including at least one homozygous and/or hemizygous individual. This variant has not been reported in the literature in individuals affected with HUWE1-related conditions. Experimental studies and prediction algorithms are not available or were not evaluated, and the functional significance of this variant is currently unknown. In summary, the available evidence is currently insufficient to determine the role of this variant in disease. Therefore, it has been classified as a Variant of Uncertain Significance.

Blueprint Genetics
Classification: Uncertain significance. Last evaluated: 2022-01-31. Review status: criteria provided, single submitter. Criteria: ACMG Guidelines, 2015. Collection method: clinical testing. Allele origin: germline.

Neuberg Centre For Genomic Medicine, NCGM
Classification: Uncertain significance for Intellectual developmental disorder, X-linked, syndromic, Turner type. Review status: criteria provided, single submitter. Criteria: ACMG Guidelines, 2015. Collection method: clinical testing. Allele origin: germline. Inheritance: X-linked recessive inheritance. Affected: yes.
Comment: The in-frame deletion p.G1300del in HUWE1 (NM_031407.7) has not been reported previously as a pathogenic variant nor as a benign variant, to our knowledge. The p.G1300del variant is observed in 1/19,080 (0.0052%) alleles from individuals of South Asian background in gnomAD Exomes and is novel (not in any individuals) in 1000 Genomes. This variant results in a deletion of a glycine at position 1300 of the HUWE1 gene. However, as this is an in-frame deletion, it is not expected to result in either a truncated protein product or loss of protein through nonsense-mediated mRNA decay. The p.G1300del variant is not in a repeat region. The p.G1300del variant results in a deletion of 3 bases that are predicted conserved by GERP++ and PhyloP. The nucleotide c.3899 in HUWE1 is predicted conserved by GERP++ and PhyloP across 100 vertebrates. For these reasons, this variant has been classified as Uncertain Significance